The following is an entry in ClinVar:

NM_020719.3(PRR12):c.5264G>A (p.Arg1755Gln)

Gene: PRR12 (proline rich 12; plus strand). Cytogenetic location: 19q13.33.
Variant type: single nucleotide variant.
Coding change: c.5264G>A on transcript NM_020719.3 (MANE Select); coding-DNA position 5264, G replaced by A.
Protein change: p.Arg1755Gln; replaces arginine 1755 with glutamine.
Molecular consequence: missense variant.
Genome position (GRCh38, 1-based): chr19:49,615,986, G>A. VCF-style: chr19-49615986-G-A. GRCh37 (hg19) VCF-style: chr19-50119243-G-A.
Other names: short protein forms R1755Q.
Identifiers: ClinVar variation 4145097 (VCV004145097.2).

ClinVar aggregate classification (germline): Uncertain significance. Review status: criteria provided, multiple submitters, no conflicts (2 of 4 stars). 2 submissions from 2 submitters: Uncertain significance (2). Last evaluated 2026-03-26.

Conditions:
Inborn genetic diseases. Identifiers: MedGen C0950123, MeSH D030342.

gnomAD v4.1: 18 of 1,552,588 alleles (0.0012%); highest among the groups gnomAD compares: Non-Finnish European, 0.0014%; no homozygotes.

Submissions (2):

Women's Health and Genetics/Laboratory Corporation of America, LabCorp
Classification: Uncertain significance. Last evaluated: 2026-03-26. Review status: criteria provided, single submitter. Criteria: LabCorp Variant Classification Summary - May 2015. Collection method: clinical testing. Allele origin: germline.
Comment: Variant summary: PRR12 c.5264G>A (p.Arg1755Gln) results in a conservative amino acid change in the encoded protein sequence. Algorithms developed to predict the effect of missense changes on protein structure and function all suggest that this variant is likely to be tolerated. The variant allele was found at a frequency of 1.3e-05 in 157590 control chromosomes. The available data on variant occurrences in the general population are insufficient to allow any conclusion about variant significance. To our knowledge, no occurrence of c.5264G>A in individuals affected with PRR12-related conditions and no experimental evidence demonstrating its impact on protein function have been reported. ClinVar contains an entry for this variant (Variation ID: 4145097). Based on the evidence outlined above, the variant was classified as uncertain significance.

Ambry Genetics
Classification: Uncertain significance for Inborn genetic diseases. Last evaluated: 2025-08-29. Review status: criteria provided, single submitter. Criteria: Ambry Variant Classification Scheme 2023. Collection method: clinical testing. Allele origin: germline.